The following is an entry in ClinVar:

NM_024503.5(HIVEP3):c.5736T>C (p.Ala1912=)

Gene: HIVEP3 (HIVEP zinc finger 3; minus strand). Cytogenetic location: 1p34.2.
Variant type: single nucleotide variant.
Coding change: c.5736T>C on transcript NM_024503.5 (MANE Select); coding-DNA position 5736, T replaced by C.
Protein change: p.Ala1912=; no amino-acid change (alanine 1912 retained).
Molecular consequence: synonymous variant.
Genome position (GRCh38, 1-based): chr1:41,513,485, A>G on the plus strand (T>C on the coding strand, the complement: HIVEP3 is on the minus strand). VCF-style: chr1-41513485-A-G. GRCh37 (hg19) VCF-style: chr1-41979156-A-G.
Other names: c.5736T>C, p.Ala1912= (NM_001127714.3).
Identifiers: ClinVar variation 402943 (VCV000402943.7), dbSNP rs615177, ClinGen allele CA797378.

ClinVar aggregate classification (germline): Benign. Review status: criteria provided, multiple submitters, no conflicts (2 of 4 stars). 3 submissions from 3 submitters: Benign (2). 1 of the submissions does not count toward it. Last evaluated 2016-03-29.

Conditions:
HIVEP3-related disorder. Also called: HIVEP3-related condition.

Allele frequency attached by ClinVar (database versions not stated): ESP Exome Variant Server 0.62167; gnomAD 0.64180 and 0.64766; TOPMed 0.64875; ExAC 0.66873; 1000 Genomes Project 0.73442; gnomAD exomes 0.67027; 1000 Genomes Project 30x 0.72783.
gnomAD v4.1: 1,020,831 of 1,608,538 alleles (63%); highest among the groups gnomAD compares: East Asian, 99%; 328,493 homozygotes.

Submissions (3):

Laboratory for Molecular Medicine, Mass General Brigham Personalized Medicine
Classification: Benign. Last evaluated: 2016-03-29. Review status: criteria provided, single submitter. Criteria: LMM Criteria. Collection method: clinical testing. Allele origin: germline.
Comment: Variant identified in a genome or exome case(s) and assessed due to predicted null impact of the variant or pathogenic assertions in the literature or databases. Disclaimer: This variant has not undergone full assessment. The following are preliminary notes: Frequency

Breakthrough Genomics
Classification: Benign. Review status: criteria provided, single submitter. Criteria: ACMG Guidelines, 2015. Collection method: not provided. Allele origin: germline. Inheritance: Unknown mechanism. Affected: yes.

PreventionGenetics, part of Exact Sciences
Classification: Benign for HIVEP3-related condition. Last evaluated: 2019-10-17. Review status: no assertion criteria provided. Collection method: clinical testing. Allele origin: germline. Not counted in ClinVar's aggregate classification.
Comment: This variant is classified as benign based on ACMG/AMP sequence variant interpretation guidelines (Richards et al. 2015 PMID: 25741868, with internal and published modifications).